The following is an entry in ClinVar:

NM_001567.4(INPPL1):c.2225C>T (p.Thr742Ile)

Gene: INPPL1 (inositol polyphosphate phosphatase like 1; plus strand). Cytogenetic location: 11q13.4.
Variant type: single nucleotide variant.
Coding change: c.2225C>T on transcript NM_001567.4 (MANE Select); coding-DNA position 2225, C replaced by T.
Protein change: p.Thr742Ile; replaces threonine 742 with isoleucine.
Molecular consequence: missense variant.
Genome position (GRCh38, 1-based): chr11:72,234,293, C>T. VCF-style: chr11-72234293-C-T. GRCh37 (hg19) VCF-style: chr11-71945337-C-T.
Other names: short protein forms T742I.
Identifiers: ClinVar variation 1407414 (VCV001407414.8), dbSNP rs2135437790, ClinGen allele CA381733885.
Genomic context (GRCh38, chr11:72,234,293, plus strand): 5'-CTGTGATCCTCTCAGTCCTCCTGTTTGTTCTCCTCCCTTTCTCCTCAGGGCTCTCAAAGA[C>T]TTCAGACCAGGCCTACATTGAGTTTGAGAGCATCGAGGCCATTGTGAAGACAGCCAGCCG-3'
Protein context (NP_001558.3, residues 732-752): QFISKKGLSK[Thr742Ile]SDQAYIEFES

ClinVar aggregate classification (germline): Uncertain significance (1 of 4 stars; one submission).

Submission:

Labcorp Genetics (formerly Invitae), Labcorp
Classification: Uncertain significance. Last evaluated: 2021-02-04. Review status: criteria provided, single submitter. Criteria: Invitae Variant Classification Sherloc (09022015). Collection method: clinical testing. Allele origin: germline.
Comment: In summary, the available evidence is currently insufficient to determine the role of this variant in disease. Therefore, it has been classified as a Variant of Uncertain Significance. Algorithms developed to predict the effect of missense changes on protein structure and function (SIFT, PolyPhen-2, Align-GVGD) all suggest that this variant is likely to be tolerated, but these predictions have not been confirmed by published functional studies and their clinical significance is uncertain. This variant has not been reported in the literature in individuals with INPPL1-related conditions. This variant is not present in population databases (ExAC no frequency). This sequence change replaces threonine with isoleucine at codon 742 of the INPPL1 protein (p.Thr742Ile). The threonine residue is moderately conserved and there is a moderate physicochemical difference between threonine and isoleucine.